The following is an entry in ClinVar:

ClinVar aggregate classification (germline): Uncertain significance (0 of 4 stars; one submission).

Conditions:
TENM1-related disorder. Also called: TENM1-related condition.

gnomAD v4.1: 2 of 1,209,919 alleles (0.00017%); highest among the groups gnomAD compares: Non-Finnish European, 0.00022%; no homozygotes.

Submission:

PreventionGenetics, part of Exact Sciences
Classification: Uncertain significance for TENM1-related condition. Last evaluated: 2024-07-09. Review status: no assertion criteria provided. Collection method: clinical testing. Allele origin: germline.
Comment: The TENM1 c.1455C>A variant is predicted to result in the amino acid substitution p.Asn485Lys. To our knowledge, this variant has not been reported in the literature or in a large population database, indicating this variant is rare. At this time, the clinical significance of this variant is uncertain due to the absence of conclusive functional and genetic evidence.

NM_001163278.2(TENM1):c.1455C>A (p.Asn485Lys)

Gene: TENM1 (teneurin transmembrane protein 1; minus strand). Cytogenetic location: Xq25.
Variant type: single nucleotide variant.
Coding change: c.1455C>A on transcript NM_001163278.2 (MANE Select); coding-DNA position 1455, C replaced by A.
Protein change: p.Asn485Lys; replaces asparagine 485 with lysine.
Molecular consequence: missense variant.
Genome position (GRCh38, 1-based): chrX:124,652,038, G>T on the plus strand (C>A on the coding strand, the complement: TENM1 is on the minus strand). VCF-style: chrX-124652038-G-T. GRCh37 (hg19) VCF-style: chrX-123785888-G-T.
Other names: c.1452C>A, p.Asn484Lys (NM_001163279.1); c.1455C>A, p.Asn485Lys (NM_014253.3); short protein forms N484K, N485K.
Identifiers: ClinVar variation 3344635 (VCV003344635.1).